The following is an entry in ClinVar:

NM_001252024.2(TRPM1):c.1166C>A (p.Thr389Lys)

Gene: TRPM1 (transient receptor potential cation channel subfamily M member 1; minus strand). Cytogenetic location: 15q13.3.
Variant type: single nucleotide variant.
Coding change: c.1166C>A on transcript NM_001252024.2 (MANE Select); coding-DNA position 1166, C replaced by A.
Protein change: p.Thr389Lys; replaces threonine 389 with lysine.
Molecular consequence: missense variant.
Genome position (GRCh38, 1-based): chr15:31,060,641, G>T on the plus strand (C>A on the coding strand, the complement: TRPM1 is on the minus strand). VCF-style: chr15-31060641-G-T. GRCh37 (hg19) VCF-style: chr15-31352844-G-T.
Other names: c.1100C>A (NM_002420.4); c.1217C>A, p.Thr406Lys (NM_001252020.2); c.1100C>A, p.Thr367Lys (NM_002420.6); short protein forms T367K, T389K, T406K.
Identifiers: ClinVar variation 2983931 (VCV002983931.4), dbSNP rs769772495, ClinGen allele CA7452656.

ClinVar aggregate classification (germline): Uncertain significance. Review status: criteria provided, multiple submitters, no conflicts (2 of 4 stars). 2 submissions from 2 submitters: Uncertain significance (2). Last evaluated 2024-09-24.

Conditions:
Inborn genetic diseases. Identifiers: MedGen C0950123, MeSH D030342.

Allele frequency attached by ClinVar (database versions not stated): ExAC 0.00002.
gnomAD v4.1: 3 of 1,613,998 alleles (0.00019%); highest among the groups gnomAD compares: Admixed American, 0.005%; no homozygotes.

Submissions (2):

Ambry Genetics
Classification: Uncertain significance for Inborn genetic diseases. Last evaluated: 2024-09-24. Review status: criteria provided, single submitter. Criteria: Ambry Variant Classification Scheme 2023. Collection method: clinical testing. Allele origin: germline.

Labcorp Genetics (formerly Invitae), Labcorp
Classification: Uncertain significance. Last evaluated: 2023-09-29. Review status: criteria provided, single submitter. Criteria: Invitae Variant Classification Sherloc (09022015). Collection method: clinical testing. Allele origin: germline.
Comment: In summary, the available evidence is currently insufficient to determine the role of this variant in disease. Therefore, it has been classified as a Variant of Uncertain Significance. Advanced modeling of protein sequence and biophysical properties (such as structural, functional, and spatial information, amino acid conservation, physicochemical variation, residue mobility, and thermodynamic stability) performed at Invitae indicates that this missense variant is not expected to disrupt TRPM1 protein function. This variant has not been reported in the literature in individuals affected with TRPM1-related conditions. This variant is present in population databases (rs769772495, gnomAD 0.009%). This sequence change replaces threonine, which is neutral and polar, with lysine, which is basic and polar, at codon 367 of the TRPM1 protein (p.Thr367Lys).